The following is an entry in ClinVar:

NM_172107.4(KCNQ2):c.2272_2286del (p.Gly758_Ser762del)

Gene: KCNQ2 (potassium voltage-gated channel subfamily Q member 2; minus strand). Cytogenetic location: 20q13.33.
Variant type: Deletion.
Coding change: c.2272_2286del on transcript NM_172107.4 (MANE Select); coding-DNA positions 2272 to 2286, 15 bases deleted (GGCAACCGCGCCAGC).
Protein change: p.Gly758_Ser762del.
Molecular consequence: inframe deletion.
Genome position (GRCh38, 1-based): chr20:63,406,977-63,406,991, GCTGGCGCGGTTGCC deleted on the plus strand (GGCAACCGCGCCAGC on the coding strand, the reverse complement: KCNQ2 is on the minus strand). VCF-style (leftmost placement, unchanged base first): chr20-63406976-TGCTGGCGCGGTTGCC-T. GRCh37 (hg19) VCF-style: chr20-62038329-TGCTGGCGCGGTTGCC-T.
Other names: c.2326_2340del, p.Gly776_Ser780del (NM_001382235.1); c.2188_2202del, p.Gly730_Ser734del (NM_004518.6); c.2218_2232del, p.Gly740_Ser744del (NM_172106.3); c.2179_2193del, p.Gly727_Ser731del (NM_172108.5).
Identifiers: ClinVar variation 930306 (VCV000930306.3), dbSNP rs2079961255, ClinGen allele CA1139666804.

ClinVar aggregate classification (germline): Uncertain significance (1 of 4 stars; one submission).

Conditions:
Developmental and epileptic encephalopathy, 7 (DEE7). Also called: Early infantile epileptic encephalopathy 7; KCNQ2-Related Neonatal-Onset Developmental and Epileptic Encephalopathy (NEO-DEE); KCNQ2-Related Neonatal Epileptic Encephalopathy. Identifiers: Orphanet 439218, MedGen C3150986, MONDO:0013387, OMIM 613720.

Submission:

Centre for Mendelian Genomics, University Medical Centre Ljubljana
Classification: Uncertain significance for Developmental and epileptic encephalopathy, 7. Last evaluated: 2019-07-03. Review status: criteria provided, single submitter. Criteria: ACMG Guidelines, 2015. Collection method: clinical testing. Allele origin: unknown. Affected: yes.
Comment: This variant was classified as: Uncertain significance. The available evidence on this variant's pathogenicity is insufficient or conflicting. The following ACMG criteria were applied in classifying this variant: PM2,PM4.